The following is an entry in ClinVar:

NM_001368397.1(FRMPD4):c.3523G>C (p.Asp1175His)

Gene: FRMPD4 (FERM and PDZ domain containing 4; plus strand). Cytogenetic location: Xp22.2.
Variant type: single nucleotide variant.
Coding change: c.3523G>C on transcript NM_001368397.1 (MANE Select); coding-DNA position 3523, G replaced by C.
Protein change: p.Asp1175His; replaces aspartic acid 1175 with histidine.
Molecular consequence: missense variant.
Genome position (GRCh38, 1-based): chrX:12,718,349, G>C. VCF-style: chrX-12718349-G-C. GRCh37 (hg19) VCF-style: chrX-12736468-G-C.
Other names: c.3634G>C, p.Asp1212His (NM_001368395.3, NM_001368398.3); c.3529G>C, p.Asp1177His (NM_001368396.3); c.3514G>C, p.Asp1172His (NM_001368399.3); c.3403G>C, p.Asp1135His (NM_001368400.3); c.3499G>C, p.Asp1167His (NM_001368401.1, NM_001368402.3); c.3523G>C, p.Asp1175His (NM_014728.3); short protein forms D1167H, D1172H, D1175H, D1135H, D1212H, D1177H.
Identifiers: ClinVar variation 1391813 (VCV001391813.29), dbSNP rs371295955, ClinGen allele CA412320624.
Genomic context (GRCh38, chrX:12,718,349, plus strand): 5'-ACCTGTGCATCTTCAGCCAAAGACTTAGATAACCCAGAGGACGCTGACTCGTCCACCTGC[G>C]ACCATCCTTCCAAGCTTCCTGAGGCTGATGAGAGTGTGGCCCGCCTTTGTGACTACCACT-3'
Protein context (NP_001355326.1, residues 1165-1185): NPEDADSSTC[Asp1175His]HPSKLPEADE

ClinVar aggregate classification (germline): Uncertain significance. Review status: criteria provided, multiple submitters, no conflicts (2 of 4 stars). 3 submissions from 3 submitters: Uncertain significance (3). Last evaluated 2024-11-13.

gnomAD v4.1: 1 of 1,211,753 alleles (0.000083%); highest among the groups gnomAD compares: Non-Finnish European, 0.00011%; no homozygotes.

Submissions (3):

Blueprint Genetics
Classification: Uncertain significance. Last evaluated: 2024-11-13. Review status: criteria provided, single submitter. Criteria: ACMG Guidelines, 2015. Collection method: clinical testing. Allele origin: germline.

Labcorp Genetics (formerly Invitae), Labcorp
Classification: Uncertain significance. Last evaluated: 2024-05-22. Review status: criteria provided, single submitter. Criteria: Invitae Variant Classification Sherloc (09022015). Collection method: clinical testing. Allele origin: germline.
Comment: This sequence change replaces aspartic acid, which is acidic and polar, with histidine, which is basic and polar, at codon 1175 of the FRMPD4 protein (p.Asp1175His). This variant is not present in population databases (gnomAD no frequency). This variant has not been reported in the literature in individuals affected with FRMPD4-related conditions. ClinVar contains an entry for this variant (Variation ID: 1391813). An algorithm developed to predict the effect of missense changes on protein structure and function (PolyPhen-2) suggests that this variant is likely to be disruptive. In summary, the available evidence is currently insufficient to determine the role of this variant in disease. Therefore, it has been classified as a Variant of Uncertain Significance.

CeGaT Center for Human Genetics Tuebingen
Classification: Uncertain significance. Last evaluated: 2023-12-01. Review status: criteria provided, single submitter. Criteria: CeGaT Center For Human Genetics Tuebingen Variant Classification Criteria Version 2. Collection method: clinical testing. Allele origin: germline. Affected: yes. Observed: 1 variant allele.
Comment: FRMPD4: PM2, BP4